The following is an entry in ClinVar:

ClinVar aggregate classification (germline): Uncertain significance. Review status: criteria provided, multiple submitters, no conflicts (2 of 4 stars). 2 submissions from 2 submitters: Uncertain significance (2). Last evaluated 2025-04-07.

Conditions:
NEK8-related disorder. Also called: NEK8-related condition.
Nephronophthisis 9 (NPHP9). Identifiers: Orphanet 655, MedGen C3151188, MONDO:0013444, OMIM 613824.

Submissions (2):

PreventionGenetics, part of Exact Sciences
Classification: Uncertain significance for NEK8-related condition. Last evaluated: 2025-04-07. Review status: criteria provided, single submitter. Criteria: ACMG Guidelines, 2015. Collection method: clinical testing. Allele origin: germline.
Comment: The NEK8 c.664C>G variant is predicted to result in the amino acid substitution p.Pro222Ala. To our knowledge, this variant has not been reported in the literature or in a large population database (gnomAD), indicating this variant is rare. Of note, the p.Pro222 residue is highly conserved within the kinase domain (Figure 2, Claus et al. 2023. PubMed ID: 37598857). At this time, the clinical significance of this variant is uncertain due to the absence of conclusive functional and genetic evidence.

Labcorp Genetics (formerly Invitae), Labcorp
Classification: Uncertain significance for Nephronophthisis 9. Last evaluated: 2025-01-13. Review status: criteria provided, single submitter. Criteria: Invitae Variant Classification Sherloc (09022015). Collection method: clinical testing. Allele origin: germline.
Comment: This sequence change replaces proline, which is neutral and non-polar, with alanine, which is neutral and non-polar, at codon 222 of the NEK8 protein (p.Pro222Ala). This variant is not present in population databases (gnomAD no frequency). This variant has not been reported in the literature in individuals affected with NEK8-related conditions. An algorithm developed to predict the effect of missense changes on protein structure and function (PolyPhen-2) suggests that this variant is likely to be disruptive. In summary, the available evidence is currently insufficient to determine the role of this variant in disease. Therefore, it has been classified as a Variant of Uncertain Significance.

NM_178170.3(NEK8):c.664C>G (p.Pro222Ala)

Gene: NEK8 (NIMA related kinase 8; plus strand). Cytogenetic location: 17q11.2.
Variant type: single nucleotide variant.
Coding change: c.664C>G on transcript NM_178170.3 (MANE Select); coding-DNA position 664, C replaced by G.
Protein change: p.Pro222Ala; replaces proline 222 with alanine.
Molecular consequence: missense variant.
Genome position (GRCh38, 1-based): chr17:28,737,351, C>G. VCF-style: chr17-28737351-C-G. GRCh37 (hg19) VCF-style: chr17-27064369-C-G.
Other names: c.664C>G (NM_178170.2); short protein forms P222A.
Identifiers: ClinVar variation 3713818 (VCV003713818.3).